The following is an entry in ClinVar:

NM_152443.3(RDH12):c.749T>C (p.Leu250Pro)

Genes: GPHN (gephyrin; plus strand), RDH12 (retinol dehydrogenase 12; plus strand), ZFYVE26 (zinc finger FYVE-type containing 26; minus strand). Cytogenetic location: 14q24.1.
Variant type: single nucleotide variant.
Coding change: c.749T>C on transcript NM_152443.3 (MANE Select); coding-DNA position 749, T replaced by C.
Protein change: p.Leu250Pro; replaces leucine 250 with proline.
Molecular consequence: missense variant.
Genome position (GRCh38, 1-based): chr14:67,729,281, T>C. VCF-style: chr14-67729281-T-C. GRCh37 (hg19) VCF-style: chr14-68195998-T-C.
Other names: short protein forms L250P.
Identifiers: ClinVar variation 844175 (VCV000844175.11), dbSNP rs1318963464, ClinGen allele CA390153026.

ClinVar aggregate classification (germline): Uncertain significance. Review status: criteria provided, multiple submitters, no conflicts (2 of 4 stars). 2 submissions from 2 submitters: Uncertain significance (2). Last evaluated 2025-03-31.

Conditions:
Leber congenital amaurosis 13 (LCA13). Identifiers: MedGen C2675186, MONDO:0012990, OMIM 612712.

Allele frequency attached by ClinVar (database versions not stated): gnomAD exomes below 0.00001; gnomAD 0.00001; TOPMed 0.00004.
gnomAD v4.1: 3 of 1,605,644 alleles (0.00019%); highest among the groups gnomAD compares: Admixed American, 0.0017%; no homozygotes.

Submissions (2):

Labcorp Genetics (formerly Invitae), Labcorp
Classification: Uncertain significance for Leber congenital amaurosis 13. Last evaluated: 2025-03-31. Review status: criteria provided, single submitter. Criteria: Invitae Variant Classification Sherloc (09022015). Collection method: clinical testing. Allele origin: germline.
Comment: This sequence change replaces leucine, which is neutral and non-polar, with proline, which is neutral and non-polar, at codon 250 of the RDH12 protein (p.Leu250Pro). This variant is not present in population databases (gnomAD no frequency). This missense change has been observed in individuals with clinical features of autosomal recessive retinal dystrophy (PMID: 36284670; internal data). ClinVar contains an entry for this variant (Variation ID: 844175). Invitae Evidence Modeling of protein sequence and biophysical properties (such as structural, functional, and spatial information, amino acid conservation, physicochemical variation, residue mobility, and thermodynamic stability) indicates that this missense variant is not expected to disrupt RDH12 protein function with a negative predictive value of 80%. In summary, the available evidence is currently insufficient to determine the role of this variant in disease. Therefore, it has been classified as a Variant of Uncertain Significance.

Blueprint Genetics
Classification: Uncertain significance. Last evaluated: 2017-08-09. Review status: criteria provided, single submitter. Criteria: ACMG Guidelines, 2015. Collection method: clinical testing. Allele origin: germline.

Literature cited by the submitters: PubMed 36284670 (cited by Labcorp Genetics (formerly Invitae), Labcorp).